The following is an entry in ClinVar:

GRCh38/hg38 20q13.13-13.33(chr20:50805746-64334135)

Genes: LSM14B (LSM family member 14B; plus strand), MC3R (melanocortin 3 receptor; plus strand), MHENCR (melanoma highly expressed competing endogenous lncRNA for miR-425 and miR-489; plus strand), MIR1-1 (microRNA 1-1; plus strand), MIR1-1HG (MIR1-1 host gene; plus strand) and 635 more. Cytogenetic location: 20q13.13-13.33.
Variant type: copy number gain.
Identifiers: ClinVar variation 3235944 (VCV003235944.1).

ClinVar aggregate classification (germline): Pathogenic (1 of 4 stars; one submission).

Conditions:
20q13.13qter duplication.

Submission:

New York Genome Center
Classification: Pathogenic for 20q13.13qter duplication. Last evaluated: 2022-11-20. Review status: criteria provided, single submitter. Criteria: NYGC Assertion Criteria 2020. Collection method: clinical testing. Allele origin: de novo. Observed: 1 variant allele, 1 mosaic individual. Study: PrenatalSEQ.
Comment: The 20q13.13qter duplication is absent from population databases (gnomAD SVs v2.1, Database of Genomic Variants (DGV)) suggesting it is not a common benign variant in the populations represented in those databases. While the exact duplication identified here has not been reported in ClinVar, smaller duplications fully contained within the one identified in this fetus have been reported as Pathogenic or Likely Pathogenic in ClinVar (VarIDs:155517, 148973, 152840). Duplications fully contained within the one reported here have also been identified de novo in individuals in the literature with congenital heart defects and additional variable extra-cardiac phenotypes [PMID:18384146, 24486774]. The mosaic 20q13.13qter (chr20:(50637850-50805746)_(64334135_qter)) duplication is reported here as Pathogenic.